The following is an entry in ClinVar:

ClinVar aggregate classification (germline): Benign/Likely benign. Review status: criteria provided, multiple submitters, no conflicts (2 of 4 stars). 6 submissions from 6 submitters: Benign (2); Likely benign (3). 1 of the submissions does not count toward it. Last evaluated 2026-09-08.

Conditions:
VPS13B-related disorder. Also called: VPS13B-related condition.
Cohen syndrome (COH1). Also called: PEPPER SYNDROME; Cutis verticis gyrata, retinitis pigmentosa, and sensorineural deafness. Identifiers: Orphanet 193, MedGen C0265223, MONDO:0008999, OMIM 216550.

Allele frequency attached by ClinVar (database versions not stated): gnomAD 0.00006 and 0.00041; TOPMed 0.00013; ESP Exome Variant Server 0.00015; gnomAD exomes 0.00063 and 0.00126; ExAC 0.00129; 1000 Genomes Project 0.00280; 1000 Genomes Project 30x 0.00312.
gnomAD v4.1: 977 of 1,613,924 alleles (0.061%); highest among the groups gnomAD compares: South Asian, 0.95%; 16 homozygotes.

Submissions (6):

PreventionGenetics, part of Exact Sciences
Classification: Benign for VPS13B-related condition. Last evaluated: 2026-09-08. Review status: criteria provided, single submitter. Criteria: ACMG Guidelines, 2015. Collection method: clinical testing. Allele origin: germline.
Comment: This variant is classified as benign based on ACMG/AMP sequence variant interpretation guidelines (Richards et al. 2015 PMID: 25741868, with internal and published modifications).

Labcorp Genetics (formerly Invitae), Labcorp
Classification: Benign for Cohen syndrome. Last evaluated: 2026-01-28. Review status: criteria provided, single submitter. Criteria: Invitae Variant Classification Sherloc (09022015). Collection method: clinical testing. Allele origin: germline.

CeGaT Center for Human Genetics Tuebingen
Classification: Likely benign. Last evaluated: 2024-02-01. Review status: criteria provided, single submitter. Criteria: CeGaT Center For Human Genetics Tuebingen Variant Classification Criteria Version 2. Collection method: clinical testing. Allele origin: germline. Affected: yes. Observed: 2 variant alleles.
Comment: VPS13B: BP4, BP7, BS2

GeneDx
Classification: Likely benign. Last evaluated: 2019-04-01. Review status: criteria provided, single submitter. Criteria: GeneDx Variant Classification Process June 2021. Collection method: clinical testing. Allele origin: germline. Affected: yes.

Illumina Laboratory Services, Illumina
Classification: Likely benign for Cohen syndrome. Last evaluated: 2018-01-13. Review status: criteria provided, single submitter. Criteria: ICSL Variant Classification Criteria 13 December 2019. Collection method: clinical testing. Allele origin: germline.
Comment: This variant was observed in the ICSL laboratory as part of a predisposition screen in an ostensibly healthy population. It had not been previously curated by ICSL or reported in the Human Gene Mutation Database (HGMD: prior to June 1st, 2018), and was therefore a candidate for classification through an automated scoring system. Utilizing variant allele frequency, disease prevalence and penetrance estimates, and inheritance mode, an automated score was calculated to assess if this variant is too frequent to cause the disease. Based on the score and internal cut-off values, a variant classified as likely benign is not then subjected to further curation. The score for this variant resulted in a classification of likely benign for this disease.

Natera, Inc.
Classification: Benign for Cohen syndrome. Last evaluated: 2020-09-16. Review status: no assertion criteria provided. Collection method: clinical testing. Allele origin: germline. Not counted in ClinVar's aggregate classification.

NM_152564.5(VPS13B):c.8010C>T (p.Ala2670=)

Gene: VPS13B (vacuolar protein sorting 13 homolog B; plus strand). Cytogenetic location: 8q22.2.
Variant type: single nucleotide variant.
Coding change: c.8010C>T on transcript NM_152564.5 (MANE Select); coding-DNA position 8010, C replaced by T.
Protein change: p.Ala2670=; no amino-acid change (alanine 2670 retained).
Molecular consequence: synonymous variant.
Genome position (GRCh38, 1-based): chr8:99,809,443, C>T. VCF-style: chr8-99809443-C-T. GRCh37 (hg19) VCF-style: chr8-100821671-C-T.
Other names: c.8085C>T (NM_017890.3); c.8010C>T (NM_152564.4); c.8085C>T, p.Ala2695= (NM_017890.5).
Identifiers: ClinVar variation 459249 (VCV000459249.44), dbSNP rs376062743, ClinGen allele CA4824364.